The following is an entry in ClinVar:

ClinVar aggregate classification (germline): Benign/Likely benign. Review status: criteria provided, multiple submitters, no conflicts (2 of 4 stars). 3 submissions from 3 submitters: Benign (1); Likely benign (2). Last evaluated 2025-11-24.

Conditions:
Birt-Hogg-Dube syndrome. Also called: Birt Hogg Dubé syndrome. Identifiers: Orphanet 122, MedGen C0346010, MONDO:0800444.
Birt-Hogg-Dube syndrome 1 (BHD1). Also called: FIBROFOLLICULOMAS WITH TRICHODISCOMAS AND ACROCHORDONS. Identifiers: Orphanet 122, MedGen CN375946, MONDO:0800445, OMIM 135150.
Hereditary cancer-predisposing syndrome. Also called: Hereditary Cancer Syndrome; Neoplastic Syndromes, Hereditary; Hereditary neoplastic syndrome; Tumor predisposition. Identifiers: Orphanet 140162, MedGen C0027672, MeSH D009386, MONDO:0015356.

Submissions (3):

Labcorp Genetics (formerly Invitae), Labcorp
Classification: Likely benign for Birt-Hogg-Dube syndrome. Last evaluated: 2025-11-24. Review status: criteria provided, single submitter. Criteria: Invitae Variant Classification Sherloc (09022015). Collection method: clinical testing. Allele origin: germline.

Myriad Genetics, Inc.
Classification: Benign for Birt-Hogg-Dube syndrome 1. Last evaluated: 2024-10-22. Review status: criteria provided, single submitter. Criteria: Myriad Autosomal Dominant, Autosomal Recessive and X-Linked Classification Criteria (2023). Collection method: clinical testing. Allele origin: unknown.
Comment: This variant is considered benign. This variant is a silent/synonymous amino acid change and it is not expected to impact splicing.

Ambry Genetics
Classification: Likely benign for Hereditary cancer-predisposing syndrome. Last evaluated: 2018-06-22. Review status: criteria provided, single submitter. Criteria: Ambry Variant Classification Scheme 2023. Collection method: clinical testing. Allele origin: germline.

NM_144997.7(FLCN):c.252C>T (p.Gly84=)

Gene: FLCN (folliculin; minus strand). Cytogenetic location: 17p11.2.
Variant type: single nucleotide variant.
Coding change: c.252C>T on transcript NM_144997.7 (MANE Select); coding-DNA position 252, C replaced by T.
Protein change: p.Gly84=; no amino-acid change (glycine 84 retained).
Molecular consequence: synonymous variant.
Genome position (GRCh38, 1-based): chr17:17,226,320, G>A on the plus strand (C>T on the coding strand, the complement: FLCN is on the minus strand). VCF-style: chr17-17226320-G-A. GRCh37 (hg19) VCF-style: chr17-17129634-G-A.
Other names: c.252C>T, p.Gly84= (NM_001353229.2, NM_001353230.2, NM_001353231.2 and 1 more transcripts).
Identifiers: ClinVar variation 821434 (VCV000821434.12), dbSNP rs1597613345, ClinGen allele CA498167732.
Genomic context (GRCh38, chr17:17,226,320, plus strand): 5'-AATGGAGGTCTCTTTATCATGGCTGATATATCCCGGGTGCCCTGCAGCAAGTGACCGGCA[G>A]CCCTGTCCATGAAAAGGAAAAGTAAATCTGTTAGTTGGGAAGCAGGGCGACAAACTCTCT-3'
Protein context (NP_659434.2, residues 74-94): PGPKKSDMCE[Gly84=]CRSLAAGHPG